The following is an entry in ClinVar:

ClinVar aggregate classification (germline): Uncertain significance. Review status: criteria provided, multiple submitters, no conflicts (2 of 4 stars). 6 submissions from 3 submitters: Uncertain significance (6). Last evaluated 2024-09-04.

Conditions:
Combined PSAP deficiency (PSAPD). Also called: COMBINED SAP DEFICIENCY; PROSAPOSIN DEFICIENCY; Encephalopathy due to prosaposin deficiency. Identifiers: Orphanet 139406, MedGen C2673635, MONDO:0012719, OMIM 611721.
Gaucher disease due to saposin C deficiency. Also called: Atypical Gaucher disease due to saposin C deficiency; Saposin C Deficiency. Identifiers: Orphanet 309252, Orphanet 355, MedGen C1864651, MONDO:0012517, OMIM 610539.
Inborn genetic diseases. Identifiers: MedGen C0950123, MeSH D030342.
Krabbe disease due to saposin A deficiency. Also called: Saposin A Deficiency; KRABBE DISEASE, ATYPICAL, DUE TO SAPOSIN A DEFICIENCY. Identifiers: Orphanet 487, MedGen C2673266, MONDO:0012720, OMIM 611722.
Sphingolipid activator protein 1 deficiency. Also called: Saposin B Deficiency; METACHROMATIC LEUKODYSTROPHY DUE TO CEREBROSIDE SULFATASE ACTIVATOR DEFICIENCY; Metachromatic leukodystrophy due to saposin B deficiency. Identifiers: Orphanet 512, MedGen C0268262, MONDO:0009590, OMIM 249900.

Allele frequency attached by ClinVar (database versions not stated): gnomAD 0.00005; TOPMed 0.00005.

Submissions (6):

Ambry Genetics
Classification: Uncertain significance for Inborn genetic diseases. Last evaluated: 2024-09-04. Review status: criteria provided, single submitter. Criteria: Ambry Variant Classification Scheme 2023. Collection method: clinical testing. Allele origin: germline.

Labcorp Genetics (formerly Invitae), Labcorp
Classification: Uncertain significance for Sphingolipid activator protein 1 deficiency. Last evaluated: 2022-04-08. Review status: criteria provided, single submitter. Criteria: Invitae Variant Classification Sherloc (09022015). Collection method: clinical testing. Allele origin: germline.
Comment: This sequence change replaces arginine, which is basic and polar, with histidine, which is basic and polar, at codon 127 of the PSAP protein (p.Arg127His). This variant is present in population databases (no rsID available, gnomAD 0.006%). This variant has not been reported in the literature in individuals affected with PSAP-related conditions. ClinVar contains an entry for this variant (Variation ID: 300526). Algorithms developed to predict the effect of missense changes on protein structure and function output the following: SIFT: "Not Available"; PolyPhen-2: "Benign"; Align-GVGD: "Not Available". The histidine amino acid residue is found in multiple mammalian species, which suggests that this missense change does not adversely affect protein function. In summary, the available evidence is currently insufficient to determine the role of this variant in disease. Therefore, it has been classified as a Variant of Uncertain Significance.

Illumina Laboratory Services, Illumina
Classification: Uncertain significance for Sphingolipid activator protein 1 deficiency. Last evaluated: 2018-01-12. Review status: criteria provided, single submitter. Criteria: ICSL Variant Classification Criteria 13 December 2019. Collection method: clinical testing. Allele origin: germline.

Illumina Laboratory Services, Illumina
Classification: Uncertain significance for Krabbe disease due to saposin A deficiency. Last evaluated: 2018-01-12. Review status: criteria provided, single submitter. Criteria: ICSL Variant Classification Criteria 13 December 2019. Collection method: clinical testing. Allele origin: germline.

Illumina Laboratory Services, Illumina
Classification: Uncertain significance for Gaucher disease due to saposin C deficiency. Last evaluated: 2018-01-12. Review status: criteria provided, single submitter. Criteria: ICSL Variant Classification Criteria 13 December 2019. Collection method: clinical testing. Allele origin: germline.

Illumina Laboratory Services, Illumina
Classification: Uncertain significance for Combined PSAP deficiency. Last evaluated: 2018-01-12. Review status: criteria provided, single submitter. Criteria: ICSL Variant Classification Criteria 13 December 2019. Collection method: clinical testing. Allele origin: germline.

NM_002778.4(PSAP):c.380G>A (p.Arg127His)

Gene: PSAP (prosaposin; minus strand). Cytogenetic location: 10q22.1.
Variant type: single nucleotide variant.
Coding change: c.380G>A on transcript NM_002778.4 (MANE Select); coding-DNA position 380, G replaced by A.
Protein change: p.Arg127His; replaces arginine 127 with histidine.
Molecular consequence: missense variant.
Genome position (GRCh38, 1-based): chr10:71,829,073, C>T on the plus strand (G>A on the coding strand, the complement: PSAP is on the minus strand). VCF-style: chr10-71829073-C-T. GRCh37 (hg19) VCF-style: chr10-73588830-C-T.
Other names: c.380G>A, p.Arg127His (NM_001042465.3, NM_001042466.3); short protein forms R127H.
Identifiers: ClinVar variation 300526 (VCV000300526.7), dbSNP rs886047151, ClinGen allele CA10628855.
Genomic context (GRCh38, chr10:71,829,073, plus strand): 5'-TCTGCTAGGTGCTTCTGGAGAGACTCGCAGAGGTTGAGAGCAGAGCACACCTCCCCAGGA[C>T]GGCTCTGGTGGGATGGAAAGAAGTCCTGCTGAAAATCCTCTCCCCAGGGGAAAATAAGAC-3'
Protein context (NP_002769.1, residues 117-137): ILDIIKGEMS[Arg127His]PGEVCSALNL